The following is an entry in ClinVar:

NM_000222.3(KIT):c.2845C>A (p.Pro949Thr)

Gene: KIT (KIT proto-oncogene, receptor tyrosine kinase; plus strand). Cytogenetic location: 4q12.
Variant type: single nucleotide variant.
Coding change: c.2845C>A on transcript NM_000222.3 (MANE Select); coding-DNA position 2845, C replaced by A.
Protein change: p.Pro949Thr; replaces proline 949 with threonine.
Molecular consequence: missense variant.
Genome position (GRCh38, 1-based): chr4:54,738,471, C>A. VCF-style: chr4-54738471-C-A. GRCh37 (hg19) VCF-style: chr4-55604637-C-A.
Other names: c.2833C>A, p.Pro945Thr (NM_001093772.2, NM_001385292.1); c.2848C>A, p.Pro950Thr (NM_001385284.1); c.2842C>A, p.Pro948Thr (NM_001385285.1); c.2830C>A, p.Pro944Thr (NM_001385286.1); c.2836C>A, p.Pro946Thr (NM_001385288.1); c.2845C>A, p.Pro949Thr (NM_001385290.1); short protein forms P950T, P945T, P948T, P944T, P946T, P949T.
Identifiers: ClinVar variation 2132258 (VCV002132258.5), dbSNP rs2109818598, ClinGen allele CA356916043.
Genomic context (GRCh38, chr4:54,738,471, plus strand): 5'-TGGGCTTGTTTTCTCCAGATTTACTCCAACTTAGCAAACTGCAGCCCCAACCGACAGAAG[C>A]CCGTGGTAGACCATTCTGTGCGGATCAATTCTGTCGGCAGCACCGCTTCCTCCTCCCAGC-3'
Protein context (NP_000213.1, residues 939-959): LANCSPNRQK[Pro949Thr]VVDHSVRINS

ClinVar aggregate classification (germline): Uncertain significance. Review status: criteria provided, multiple submitters, no conflicts (2 of 4 stars). 2 submissions from 2 submitters: Uncertain significance (2). Last evaluated 2024-12-07.

Conditions:
Hereditary cancer-predisposing syndrome. Also called: Hereditary Cancer Syndrome; Hereditary neoplastic syndrome; Neoplastic Syndromes, Hereditary; Tumor predisposition. Identifiers: Orphanet 140162, MedGen C0027672, MeSH D009386, MONDO:0015356.
Gastrointestinal stromal tumor. Also called: Gastrointestinal stroma tumor; Gastrointestinal stromal tumor, somatic. Identifiers: Orphanet 44890, MedGen C0238198, MeSH D046152, MONDO:0011719, OMIM 606764, HP:0100723.

Submissions (2):

Ambry Genetics
Classification: Uncertain significance for Hereditary cancer-predisposing syndrome. Last evaluated: 2024-12-07. Review status: criteria provided, single submitter. Criteria: Ambry Variant Classification Scheme 2023. Collection method: clinical testing. Allele origin: germline.
Comment: The p.P949T variant (also known as c.2845C>A), located in coding exon 21 of the KIT gene, results from a C to A substitution at nucleotide position 2845. The proline at codon 949 is replaced by threonine, an amino acid with highly similar properties. This amino acid position is conserved. In addition, this alteration is predicted to be tolerated by in silico analysis. Based on the available evidence, the clinical significance of this variant remains unclear.

Labcorp Genetics (formerly Invitae), Labcorp
Classification: Uncertain significance for Gastrointestinal stromal tumor. Last evaluated: 2022-04-30. Review status: criteria provided, single submitter. Criteria: Invitae Variant Classification Sherloc (09022015). Collection method: clinical testing. Allele origin: germline.
Comment: This variant is not present in population databases (gnomAD no frequency). This sequence change replaces proline, which is neutral and non-polar, with threonine, which is neutral and polar, at codon 949 of the KIT protein (p.Pro949Thr). In summary, the available evidence is currently insufficient to determine the role of this variant in disease. Therefore, it has been classified as a Variant of Uncertain Significance. Algorithms developed to predict the effect of missense changes on protein structure and function (SIFT, PolyPhen-2, Align-GVGD) all suggest that this variant is likely to be tolerated. This variant has not been reported in the literature in individuals affected with KIT-related conditions.